The following is an entry in ClinVar:

ClinVar aggregate classification (germline): Uncertain significance (1 of 4 stars; one submission).

Submission:

GeneDx
Classification: Uncertain significance. Last evaluated: 2024-11-15. Review status: criteria provided, single submitter. Criteria: GeneDx Variant Classification Process June 2021. Collection method: clinical testing. Allele origin: germline. Affected: yes.
Comment: Not observed at significant frequency in large population cohorts (gnomAD); In silico analysis supports that this missense variant has a deleterious effect on protein structure/function; Has not been previously published as pathogenic or benign to our knowledge

NM_032228.6(FAR1):c.1498T>C (p.Cys500Arg)

Gene: FAR1 (fatty acyl-CoA reductase 1; plus strand). Cytogenetic location: 11p15.3.
Variant type: single nucleotide variant.
Coding change: c.1498T>C on transcript NM_032228.6 (MANE Select); coding-DNA position 1498, T replaced by C.
Protein change: p.Cys500Arg; replaces cysteine 500 with arginine.
Molecular consequence: missense variant.
Genome position (GRCh38, 1-based): chr11:13,728,724, T>C. VCF-style: chr11-13728724-T-C. GRCh37 (hg19) VCF-style: chr11-13750271-T-C.
Other names: short protein forms C500R.
Identifiers: ClinVar variation 3899823 (VCV003899823.1).